The following is an entry in ClinVar:

ClinVar aggregate classification (germline): Uncertain significance (1 of 4 stars; one submission).

Conditions:
Neuroblastoma, susceptibility to, 3. Also called: ALK-Related Neuroblastic Tumor Susceptibility. Identifiers: Orphanet 635, MedGen C2751681, MONDO:0013083, OMIM 613014.

Allele frequency attached by ClinVar (database versions not stated): gnomAD exomes below 0.00001; TOPMed below 0.00001.

Submission:

Labcorp Genetics (formerly Invitae), Labcorp
Classification: Uncertain significance for Neuroblastoma, susceptibility to, 3. Last evaluated: 2019-10-16. Review status: criteria provided, single submitter. Criteria: Invitae Variant Classification Sherloc (09022015). Collection method: clinical testing. Allele origin: germline.
Comment: In summary, the available evidence is currently insufficient to determine the role of this variant in disease. Therefore, it has been classified as a Variant of Uncertain Significance. The current clinical and genetic evidence is not sufficient to establish whether loss-of-function variants in ALK cause disease. Algorithms developed to predict the effect of sequence changes on RNA splicing suggest that this variant may disrupt the consensus splice site, but this prediction has not been confirmed by published transcriptional studies. This variant has not been reported in the literature in individuals with ALK-related conditions. This variant is not present in population databases (ExAC no frequency). This sequence change affects an acceptor splice site in intron 14 of the ALK gene. It is expected to disrupt RNA splicing and likely results in an absent or disrupted protein product.

NM_004304.5(ALK):c.2488-1G>A

Gene: ALK (ALK receptor tyrosine kinase; minus strand). Cytogenetic location: 2p23.2.
Variant type: single nucleotide variant.
Coding change: c.2488-1G>A on transcript NM_004304.5 (MANE Select); the canonical splice acceptor site of the intron before coding-DNA position 2488, G replaced by A.
Molecular consequence: splice acceptor variant.
Genome position (GRCh38, 1-based): chr2:29,232,449, C>T on the plus strand (G>A on the coding strand, the complement: ALK is on the minus strand). VCF-style: chr2-29232449-C-T. GRCh37 (hg19) VCF-style: chr2-29455315-C-T.
Identifiers: ClinVar variation 966484 (VCV000966484.8), dbSNP rs1311699420, ClinGen allele CA346472072.